The following is an entry in ClinVar:

NM_000219.6(KCNE1):c.191G>A (p.Ser64Asn)

Gene: KCNE1 (potassium voltage-gated channel subfamily E regulatory subunit 1; minus strand). Cytogenetic location: 21q22.12.
Variant type: single nucleotide variant.
Coding change: c.191G>A on transcript NM_000219.6 (MANE Select); coding-DNA position 191, G replaced by A.
Protein change: p.Ser64Asn; replaces serine 64 with asparagine.
Molecular consequence: missense variant.
Genome position (GRCh38, 1-based): chr21:34,449,444, C>T on the plus strand (G>A on the coding strand, the complement: KCNE1 is on the minus strand). VCF-style: chr21-34449444-C-T. GRCh37 (hg19) VCF-style: chr21-35821742-C-T.
Other names: c.191G>A, p.Ser64Asn (NM_001127668.4, NM_001127669.4, NM_001127670.4 and 4 more transcripts); short protein forms S64N.
Identifiers: ClinVar variation 3374288 (VCV003374288.2).

Conditions:
Long QT syndrome 5 (LQT5). Identifiers: Orphanet 101016, Orphanet 768, MedGen C1867904, MONDO:0013372, OMIM 613695.

Submission:

Roden Lab, Vanderbilt University Medical Center
No classification provided (evidence only). Condition: Long QT syndrome 5. Review status: no classification provided. Collection method: in vitro. Allele origin: not applicable. Functional consequence: Effect on ion channel function.
ClinVar note: "not provided" was previously submitted as the classification for the variant. However, the classification appeared to be based only on an observation of functional data so it was converted to no classification on 2025-07-30.